The following is an entry in ClinVar:

ClinVar aggregate classification (germline): Uncertain significance (1 of 4 stars; one submission).

Submission:

Labcorp Genetics (formerly Invitae), Labcorp
Classification: Uncertain significance. Last evaluated: 2023-01-09. Review status: criteria provided, single submitter. Criteria: Invitae Variant Classification Sherloc (09022015). Collection method: clinical testing. Allele origin: germline.
Comment: In summary, the available evidence is currently insufficient to determine the role of this variant in disease. Therefore, it has been classified as a Variant of Uncertain Significance. Advanced modeling of protein sequence and biophysical properties (such as structural, functional, and spatial information, amino acid conservation, physicochemical variation, residue mobility, and thermodynamic stability) performed at Invitae indicates that this missense variant is not expected to disrupt ERCC2 protein function. This variant has not been reported in the literature in individuals affected with ERCC2-related conditions. This variant is not present in population databases (gnomAD no frequency). This sequence change replaces threonine, which is neutral and polar, with isoleucine, which is neutral and non-polar, at codon 389 of the ERCC2 protein (p.Thr389Ile).

NM_000400.4(ERCC2):c.1166C>T (p.Thr389Ile)

Gene: ERCC2 (ERCC excision repair 2, TFIIH core complex helicase subunit; minus strand). Cytogenetic location: 19q13.32.
Variant type: single nucleotide variant.
Coding change: c.1166C>T on transcript NM_000400.4 (MANE Select); coding-DNA position 1166, C replaced by T.
Protein change: p.Thr389Ile; replaces threonine 389 with isoleucine.
Molecular consequence: missense variant.
Genome position (GRCh38, 1-based): chr19:45,361,595, G>A on the plus strand (C>T on the coding strand, the complement: ERCC2 is on the minus strand). VCF-style: chr19-45361595-G-A. GRCh37 (hg19) VCF-style: chr19-45864853-G-A.
Other names: c.1094C>T, p.Thr365Ile (NM_001130867.2); short protein forms T365I, T389I.
Identifiers: ClinVar variation 2959063 (VCV002959063.3), dbSNP rs2514023426, ClinGen allele CA406370015.
Genomic context (GRCh38, chr19:45,361,595, plus strand): 5'-GTGCTGACAAGGGTGGCAAAGTTAGCAAGGAGGGTGAGCGGGGAGAAGTCAGCAAGGTCG[G>A]TGATCTCCAGAGTATGCAGCAGGGACCGGAGGCGTTCAGCACAGAATCTGGCGGGGAGGA-3'
Protein context (NP_000391.1, residues 379-399): LRSLLHTLEI[Thr389Ile]DLADFSPLTL